The following is an entry in ClinVar:

NM_130384.3(ATRIP):c.1237C>G (p.Leu413Val)

Genes: ATRIP (ATR interacting protein; plus strand), ATRIP-TREX1 (ATRIP-TREX1 readthrough; plus strand). Cytogenetic location: 3p21.31.
Variant type: single nucleotide variant.
Coding change: c.1237C>G on transcript NM_130384.3 (MANE Select); coding-DNA position 1237, C replaced by G.
Protein change: p.Leu413Val; replaces leucine 413 with valine.
Molecular consequence: missense variant. On other transcripts: non-coding transcript variant (1).
Genome position (GRCh38, 1-based): chr3:48,460,291, C>G. VCF-style: chr3-48460291-C-G. GRCh37 (hg19) VCF-style: chr3-48501690-C-G.
Other names: c.856C>G, p.Leu286Val (NM_001271022.2); c.958C>G, p.Leu320Val (NM_001271023.2); c.1237C>G, p.Leu413Val (NM_032166.4); short protein forms L413V, L320V, L286V.
Identifiers: ClinVar variation 3975727 (VCV003975727.1).

ClinVar aggregate classification (germline): Uncertain significance (1 of 4 stars; one submission).

gnomAD v4.1: 1 of 1,614,098 alleles (0.000062%); highest among the groups gnomAD compares: East Asian, 0.0022%; no homozygotes.

Submission:

Ambry Genetics
Classification: Uncertain significance. Last evaluated: 2025-03-22. Review status: criteria provided, single submitter. Criteria: Ambry Variant Classification Scheme 2023. Collection method: clinical testing. Allele origin: germline.
Comment: The p.L413V variant (also known as c.1237C>G), located in coding exon 8 of the ATRIP gene, results from a C to G substitution at nucleotide position 1237. The leucine at codon 413 is replaced by valine, an amino acid with highly similar properties. This amino acid position is conserved. In addition, this alteration is predicted to be tolerated by in silico analysis. Based on the available evidence, the clinical significance of this variant remains unclear.